The following is an entry in ClinVar:

NM_024408.4(NOTCH2):c.6381G>C (p.Lys2127Asn)

Gene: NOTCH2 (notch receptor 2; minus strand). Cytogenetic location: 1p12.
Variant type: single nucleotide variant.
Coding change: c.6381G>C on transcript NM_024408.4 (MANE Select); coding-DNA position 6381, G replaced by C.
Protein change: p.Lys2127Asn; replaces lysine 2127 with asparagine.
Molecular consequence: missense variant.
Genome position (GRCh38, 1-based): chr1:119,916,341, C>G on the plus strand (G>C on the coding strand, the complement: NOTCH2 is on the minus strand). VCF-style: chr1-119916341-C-G. GRCh37 (hg19) VCF-style: chr1-120458964-C-G.
Other names: short protein forms K2127N.
Identifiers: ClinVar variation 3600865 (VCV003600865.1).
Genomic context (GRCh38, chr1:119,916,341, plus strand): 5'-AGTTACTGAACTCTCAGACAGTTGGACCTTCTCACTCAGAGACTTCTTCCTCCTACTACC[C>G]TTGGCATCCTTTGCCTCCTTGGCAAGGTTAGGGAGGCTAGTAGGCATGGTACTCTTGGCA-3'
Protein context (NP_077719.2, residues 2117-2137): PNLAKEAKDA[Lys2127Asn]GSRRKKSLSE

ClinVar aggregate classification (germline): Uncertain significance (1 of 4 stars; one submission).

gnomAD v4.1: 2 of 1,614,212 alleles (0.00012%); highest among the groups gnomAD compares: Non-Finnish European, 0.00017%; no homozygotes.

Submission:

GeneDx
Classification: Uncertain significance. Last evaluated: 2024-07-24. Review status: criteria provided, single submitter. Criteria: GeneDx Variant Classification Process June 2021. Collection method: clinical testing. Allele origin: germline. Affected: yes.
Comment: Not observed at significant frequency in large population cohorts (gnomAD); In silico analysis supports that this missense variant has a deleterious effect on protein structure/function; Has not been previously published as pathogenic or benign to our knowledge